The following is an entry in ClinVar:

NM_005559.4(LAMA1):c.2755G>C (p.Gly919Arg)

Gene: LAMA1 (laminin subunit alpha 1; minus strand). Cytogenetic location: 18p11.31.
Variant type: single nucleotide variant.
Coding change: c.2755G>C on transcript NM_005559.4 (MANE Select); coding-DNA position 2755, G replaced by C.
Protein change: p.Gly919Arg; replaces glycine 919 with arginine.
Molecular consequence: missense variant.
Genome position (GRCh38, 1-based): chr18:7,017,331, C>G on the plus strand (G>C on the coding strand, the complement: LAMA1 is on the minus strand). VCF-style: chr18-7017331-C-G. GRCh37 (hg19) VCF-style: chr18-7017330-C-G.
Other names: short protein forms G919R.
Identifiers: ClinVar variation 2419150 (VCV002419150.3), dbSNP rs201635937, ClinGen allele CA8882536.

ClinVar aggregate classification (germline): Uncertain significance (1 of 4 stars; one submission).

Allele frequency attached by ClinVar (database versions not stated): 1000 Genomes Project 30x 0.00016; 1000 Genomes Project 0.00020.
gnomAD v4.1: 296 of 1,614,016 alleles (0.018%); highest among the groups gnomAD compares: East Asian, 0.64%; 1 homozygote.

Submission:

Labcorp Genetics (formerly Invitae), Labcorp
Classification: Uncertain significance. Last evaluated: 2022-09-13. Review status: criteria provided, single submitter. Criteria: Invitae Variant Classification Sherloc (09022015). Collection method: clinical testing. Allele origin: germline.
Comment: This sequence change replaces glycine, which is neutral and non-polar, with arginine, which is basic and polar, at codon 919 of the LAMA1 protein (p.Gly919Arg). This variant is present in population databases (rs201635937, gnomAD 0.2%). This missense change has been observed in individual(s) with clinical features of LAMA1-related conditions (PMID: 31088393). Advanced modeling of protein sequence and biophysical properties (such as structural, functional, and spatial information, amino acid conservation, physicochemical variation, residue mobility, and thermodynamic stability) performed at Invitae indicates that this missense variant is expected to disrupt LAMA1 protein function. In summary, the available evidence is currently insufficient to determine the role of this variant in disease. Therefore, it has been classified as a Variant of Uncertain Significance.

Literature cited by the submitters: PubMed 31088393.